The following is an entry in ClinVar:

NM_004415.4(DSP):c.781G>A (p.Ala261Thr)

Gene: DSP (desmoplakin; plus strand). Cytogenetic location: 6p24.3.
Variant type: single nucleotide variant.
Coding change: c.781G>A on transcript NM_004415.4 (MANE Select); coding-DNA position 781, G replaced by A.
Protein change: p.Ala261Thr; replaces alanine 261 with threonine.
Molecular consequence: missense variant.
Genome position (GRCh38, 1-based): chr6:7,565,362, G>A. VCF-style: chr6-7565362-G-A. GRCh37 (hg19) VCF-style: chr6-7565595-G-A.
Other names: c.781G>A, p.Ala261Thr (NM_001008844.3, NM_001319034.2); short protein forms A261T.
Identifiers: ClinVar variation 1026944 (VCV001026944.12), dbSNP rs967465931, ClinGen allele CA133954649.
Genomic context (GRCh38, chr6:7,565,362, plus strand): 5'-AGAACACCAGTCACTGCATATTGTTATTTTAATGCTGCCTTTGAACCTCCTGTGCAGAAA[G>A]CGTCCTTTGAGAGGATGGATCACCTGCGACAGCTGCAGAACATCATTCAGGCCACGTCCA-3'
Protein context (NP_004406.2, residues 251-271): LEEEYENLLK[Ala261Thr]SFERMDHLRQ

ClinVar aggregate classification (germline): Uncertain significance. Review status: criteria provided, multiple submitters, no conflicts (2 of 4 stars). 3 submissions from 3 submitters: Uncertain significance (3). Last evaluated 2025-11-03.

Conditions:
Cardiovascular phenotype. Identifiers: MedGen CN230736.
Arrhythmogenic cardiomyopathy with wooly hair and keratoderma. Also called: PALMOPLANTAR KERATODERMA WITH LEFT VENTRICULAR CARDIOMYOPATHY AND WOOLLY HAIR; Dilated cardiomyopathy with woolly hair and keratoderma; Carvajal syndrome; Arrhythmogenic cardiomyopathy with woolly hair and keratoderma. Identifiers: Orphanet 65282, MedGen C1854063, MONDO:0011581, OMIM 605676.
Arrhythmogenic right ventricular dysplasia 8 (ARVD8). Also called: ARRHYTHMOGENIC RIGHT VENTRICULAR DYSPLASIA, FAMILIAL, 8; Arrhythmogenic Right Ventricular Dysplasia/Cardiomyopathy 8; ARRHYTHMOGENIC RIGHT VENTRICULAR CARDIOMYOPATHY 8. Identifiers: MedGen C1843896, MONDO:0011831, OMIM 607450.

Allele frequency attached by ClinVar (database versions not stated): TOPMed 0.00001.

Submissions (3):

Labcorp Genetics (formerly Invitae), Labcorp
Classification: Uncertain significance for Arrhythmogenic cardiomyopathy with wooly hair and keratoderma; Arrhythmogenic right ventricular dysplasia 8. Last evaluated: 2025-11-03. Review status: criteria provided, single submitter. Criteria: Invitae Variant Classification Sherloc (09022015). Collection method: clinical testing. Allele origin: germline.
Comment: This sequence change replaces alanine, which is neutral and non-polar, with threonine, which is neutral and polar, at codon 261 of the DSP protein (p.Ala261Thr). This variant is not present in population databases (gnomAD no frequency). This variant has not been reported in the literature in individuals affected with DSP-related conditions. ClinVar contains an entry for this variant (Variation ID: 1026944). An algorithm developed to predict the effect of missense changes on protein structure and function outputs the following: PolyPhen-2: "Benign". The threonine amino acid residue is found in multiple mammalian species, which suggests that this missense change does not adversely affect protein function. In summary, the available evidence is currently insufficient to determine the role of this variant in disease. Therefore, it has been classified as a Variant of Uncertain Significance.

Women's Health and Genetics/Laboratory Corporation of America, LabCorp
Classification: Uncertain significance. Last evaluated: 2024-02-26. Review status: criteria provided, single submitter. Criteria: LabCorp Variant Classification Summary - May 2015. Collection method: clinical testing. Allele origin: germline.

Ambry Genetics
Classification: Uncertain significance for Cardiovascular phenotype. Last evaluated: 2022-05-02. Review status: criteria provided, single submitter. Criteria: Ambry Variant Classification Scheme 2023. Collection method: clinical testing. Allele origin: germline.
Comment: The p.A261T variant (also known as c.781G>A), located in coding exon 7 of the DSP gene, results from a G to A substitution at nucleotide position 781. The alanine at codon 261 is replaced by threonine, an amino acid with similar properties. This amino acid position is conserved. In addition, this alteration is predicted to be tolerated by in silico analysis. Since supporting evidence is limited at this time, the clinical significance of this alteration remains unclear.